The following is an entry in ClinVar:

NM_003002.4(SDHD):c.328G>C (p.Val110Leu)

Gene: SDHD (succinate dehydrogenase complex subunit D; plus strand). Cytogenetic location: 11q23.1.
Variant type: single nucleotide variant.
Coding change: c.328G>C on transcript NM_003002.4 (MANE Select); coding-DNA position 328, G replaced by C.
Protein change: p.Val110Leu; replaces valine 110 with leucine.
Molecular consequence: missense variant. On other transcripts: 3 prime UTR variant (1), non-coding transcript variant (1).
Genome position (GRCh38, 1-based): chr11:112,094,818, G>C. VCF-style: chr11-112094818-G-C. GRCh37 (hg19) VCF-style: chr11-111965542-G-C.
Other names: c.183G>C, p.Lys61Asn (NM_001276503.2); c.211G>C, p.Val71Leu (NM_001276504.2); c.*26G>C (NM_001276506.2); short protein forms V71L, V110L, K61N.
Identifiers: ClinVar variation 2607645 (VCV002607645.2), dbSNP rs1060503771, ClinGen allele CA382618788.

ClinVar aggregate classification (germline): Uncertain significance (1 of 4 stars; one submission).

Conditions:
Hereditary cancer-predisposing syndrome. Also called: Tumor predisposition; Hereditary Cancer Syndrome; Hereditary neoplastic syndrome; Neoplastic Syndromes, Hereditary. Identifiers: Orphanet 140162, MedGen C0027672, MeSH D009386, MONDO:0015356.

Submission:

Ambry Genetics
Classification: Uncertain significance for Hereditary cancer-predisposing syndrome. Last evaluated: 2023-07-27. Review status: criteria provided, single submitter. Criteria: Ambry Variant Classification Scheme 2023. Collection method: clinical testing. Allele origin: germline.
Comment: The p.V110L variant (also known as c.328G>C), located in coding exon 4 of the SDHD gene, results from a G to C substitution at nucleotide position 328. The valine at codon 110 is replaced by leucine, an amino acid with highly similar properties. This amino acid position is conserved. In addition, this alteration is predicted to be deleterious by in silico analysis. Since supporting evidence is limited at this time, the clinical significance of this alteration remains unclear.